The following is an entry in ClinVar:

ClinVar aggregate classification (germline): Uncertain significance. Review status: criteria provided, multiple submitters, no conflicts (2 of 4 stars). 3 submissions from 3 submitters: Uncertain significance (3). Last evaluated 2025-06-17.

Allele frequency attached by ClinVar (database versions not stated): gnomAD 0.00001; gnomAD exomes 0.00002; TOPMed 0.00002.
gnomAD v4.1: 37 of 1,611,114 alleles (0.0023%); highest among the groups gnomAD compares: South Asian, 0.014%; 1 homozygote.

Submissions (3):

Labcorp Genetics (formerly Invitae), Labcorp
Classification: Uncertain significance. Last evaluated: 2025-06-17. Review status: criteria provided, single submitter. Criteria: Invitae Variant Classification Sherloc (09022015). Collection method: clinical testing. Allele origin: germline.
Comment: This sequence change replaces asparagine, which is neutral and polar, with serine, which is neutral and polar, at codon 238 of the POLE2 protein (p.Asn238Ser). This variant is present in population databases (rs768342315, gnomAD 0.01%). This variant has not been reported in the literature in individuals affected with POLE2-related conditions. ClinVar contains an entry for this variant (Variation ID: 3015451). An algorithm developed to predict the effect of missense changes on protein structure and function outputs the following: PolyPhen-2: "Benign". The serine amino acid residue is found in multiple mammalian species, which suggests that this missense change does not adversely affect protein function. In summary, the available evidence is currently insufficient to determine the role of this variant in disease. Therefore, it has been classified as a Variant of Uncertain Significance.

Ambry Genetics
Classification: Uncertain significance. Last evaluated: 2025-02-27. Review status: criteria provided, single submitter. Criteria: Ambry Variant Classification Scheme 2023. Collection method: clinical testing. Allele origin: germline.

Blueprint Genetics
Classification: Uncertain significance. Last evaluated: 2024-03-20. Review status: criteria provided, single submitter. Criteria: ACMG Guidelines, 2015. Collection method: clinical testing. Allele origin: germline.

NM_002692.4(POLE2):c.713A>G (p.Asn238Ser)

Gene: POLE2 (DNA polymerase epsilon 2, accessory subunit; minus strand). Cytogenetic location: 14q21.3.
Variant type: single nucleotide variant.
Coding change: c.713A>G on transcript NM_002692.4 (MANE Select); coding-DNA position 713, A replaced by G.
Protein change: p.Asn238Ser; replaces asparagine 238 with serine.
Molecular consequence: missense variant.
Genome position (GRCh38, 1-based): chr14:49,663,357, T>C on the plus strand (A>G on the coding strand, the complement: POLE2 is on the minus strand). VCF-style: chr14-49663357-T-C. GRCh37 (hg19) VCF-style: chr14-50130075-T-C.
Other names: c.713A>G (NM_002692.3); c.635A>G, p.Asn212Ser (NM_001197330.2); c.713A>G, p.Asn238Ser (NM_001197331.3, NM_001348384.2); c.482A>G, p.Asn161Ser (NM_001348385.2); short protein forms N161S, N212S, N238S.
Identifiers: ClinVar variation 3015451 (VCV003015451.5), dbSNP rs768342315, ClinGen allele CA7173490.